The following is an entry in ClinVar:

ClinVar aggregate classification (germline): Uncertain significance (1 of 4 stars; one submission).

Allele frequency attached by ClinVar (database versions not stated): gnomAD exomes 0.00001 and 0.00006; ExAC 0.00006; gnomAD 0.00011 and 0.00012; ESP Exome Variant Server 0.00041.
gnomAD v4.1: 39 of 1,603,944 alleles (0.0024%); highest among the groups gnomAD compares: African/African-American, 0.039%; no homozygotes.

Submission:

Labcorp Genetics (formerly Invitae), Labcorp
Classification: Uncertain significance. Last evaluated: 2024-09-19. Review status: criteria provided, single submitter. Criteria: Invitae Variant Classification Sherloc (09022015). Collection method: clinical testing. Allele origin: germline.
Comment: This sequence change falls in intron 36 of the COL4A2 gene. It does not directly change the encoded amino acid sequence of the COL4A2 protein. It affects a nucleotide within the consensus splice site. This variant is present in population databases (rs373295648, gnomAD 0.06%), and has an allele count higher than expected for a pathogenic variant. This variant has not been reported in the literature in individuals affected with COL4A2-related conditions. ClinVar contains an entry for this variant (Variation ID: 1405229). Variants that disrupt the consensus splice site are a relatively common cause of aberrant splicing (PMID: 17576681, 9536098). Algorithms developed to predict the effect of sequence changes on RNA splicing suggest that this variant is not likely to affect RNA splicing. In summary, the available evidence is currently insufficient to determine the role of this variant in disease. Therefore, it has been classified as a Variant of Uncertain Significance.

Literature cited by the submitters: PubMed 17576681; PubMed 9536098.

NM_001846.4(COL4A2):c.3346+5G>A

Gene: COL4A2 (collagen type IV alpha 2 chain; plus strand). Cytogenetic location: 13q34.
Variant type: single nucleotide variant.
Coding change: c.3346+5G>A on transcript NM_001846.4 (MANE Select); 5 bases into the intron after coding-DNA position 3346, G replaced by A.
Molecular consequence: intron variant.
Genome position (GRCh38, 1-based): chr13:110,489,790, G>A. VCF-style: chr13-110489790-G-A. GRCh37 (hg19) VCF-style: chr13-111142137-G-A.
Identifiers: ClinVar variation 1405229 (VCV001405229.6), dbSNP rs373295648, ClinGen allele CA7050177.
Genomic context (GRCh38, chr13:110,489,790, plus strand): 5'-AAATTTACCAGGAAGACCAGGCCTGAAGGGGGAGCGGGGCACCACTGGAATACCAGGTAC[G>A]CAAGTTATTTTCCTTGTCTTCATCTTCAACAACAGCCCTGAGCCTTTGTCTAGGAGCCCG-3'